The following is an entry in ClinVar:

ClinVar aggregate classification (germline): Conflicting classifications of pathogenicity. Review status: criteria provided, conflicting classifications (1 of 4 stars). 2 submissions from 2 submitters: Uncertain significance (1); Likely benign (1). Last evaluated 2023-12-05.

Conditions:
Early-infantile DEE. Also called: Early infantile epileptic encephalopathy; Ohtahara syndrome; Early infantile epileptic encephalopathy with suppression bursts. Identifiers: Orphanet 1934, MedGen C0393706, MONDO:0800491.

Allele frequency attached by ClinVar (database versions not stated): gnomAD exomes below 0.00001; ExAC 0.00002.
gnomAD v4.1: 6 of 1,614,132 alleles (0.00037%); highest among the groups gnomAD compares: Non-Finnish European, 0.00051%; no homozygotes.

Submissions (2):

Labcorp Genetics (formerly Invitae), Labcorp
Classification: Uncertain significance for Early-infantile DEE. Last evaluated: 2023-12-05. Review status: criteria provided, single submitter. Criteria: Invitae Variant Classification Sherloc (09022015). Collection method: clinical testing. Allele origin: germline.
Comment: This sequence change falls in intron 53 of the SPTAN1 gene. It does not directly change the encoded amino acid sequence of the SPTAN1 protein. It affects a nucleotide within the consensus splice site. This variant is present in population databases (rs771825373, gnomAD 0.004%). This variant has not been reported in the literature in individuals affected with SPTAN1-related conditions. ClinVar contains an entry for this variant (Variation ID: 2499107). Variants that disrupt the consensus splice site are a relatively common cause of aberrant splicing (PMID: 17576681, 9536098). Algorithms developed to predict the effect of sequence changes on RNA splicing suggest that this variant is not likely to affect RNA splicing. In summary, the available evidence is currently insufficient to determine the role of this variant in disease. Therefore, it has been classified as a Variant of Uncertain Significance.

CeGaT Center for Human Genetics Tuebingen
Classification: Likely benign. Last evaluated: 2023-01-01. Review status: criteria provided, single submitter. Criteria: CeGaT Center For Human Genetics Tuebingen Variant Classification Criteria Version 2. Collection method: clinical testing. Allele origin: germline. Affected: yes. Observed: 1 variant allele.
Comment: SPTAN1: BP4

Literature cited by the submitters: PubMed 17576681 (cited by Labcorp Genetics (formerly Invitae), Labcorp); PubMed 9536098 (cited by Labcorp Genetics (formerly Invitae), Labcorp).

NM_001130438.3(SPTAN1):c.6960-3C>T

Gene: SPTAN1 (spectrin alpha, non-erythrocytic 1; plus strand). Cytogenetic location: 9q34.11.
Variant type: single nucleotide variant.
Coding change: c.6960-3C>T on transcript NM_001130438.3 (MANE Select); 3 bases into the intron before coding-DNA position 6960, C replaced by T.
Molecular consequence: intron variant.
Genome position (GRCh38, 1-based): chr9:128,632,428, C>T. VCF-style: chr9-128632428-C-T. GRCh37 (hg19) VCF-style: chr9-131394707-C-T.
Other names: c.7059-3C>T (NM_001375318.1); c.6996-3C>T (NM_001375312.2); c.6960-3C>T (NM_001375311.2); c.6900-3C>T (NM_001375314.2, NM_001363765.2); c.7047-3C>T (NM_001375310.1); c.7023-3C>T (NM_001363759.2); c.6942-3C>T (NM_001375313.1); c.6945-3C>T (NM_003127.4); and 1 more.
Identifiers: ClinVar variation 2499107 (VCV002499107.31), dbSNP rs771825373, ClinGen allele CA5265952.